The following is an entry in ClinVar:

NM_001267550.2(TTN):c.39290C>G (p.Pro13097Arg)

Gene: TTN (titin; minus strand). Cytogenetic location: 2q31.2.
Variant type: single nucleotide variant.
Coding change: c.39290C>G on transcript NM_001267550.2 (MANE Select); coding-DNA position 39290, C replaced by G.
Protein change: p.Pro13097Arg; replaces proline 13097 with arginine.
Molecular consequence: missense variant. On other transcripts: intron variant (3).
Genome position (GRCh38, 1-based): chr2:178,652,101, G>C on the plus strand (C>G on the coding strand, the complement: TTN is on the minus strand). VCF-style: chr2-178652101-G-C. GRCh37 (hg19) VCF-style: chr2-179516828-G-C.
Other names: c.34769C>G, p.Pro11590Arg (NM_001256850.1); c.31988C>G, p.Pro10663Arg (NM_133378.4); c.13283-9784C>G (NM_003319.4); c.13859-9784C>G (NM_133437.4); c.13658-9784C>G (NM_133432.3); short protein forms P10663R, P11590R, P13097R.
Identifiers: ClinVar variation 1284762 (VCV001284762.15), dbSNP rs924318627, ClinGen allele CA60968828.

ClinVar aggregate classification (germline): Uncertain significance. Review status: criteria provided, multiple submitters, no conflicts (2 of 4 stars). 7 submissions from 7 submitters: Uncertain significance (5). 2 of the submissions do not count toward it. Last evaluated 2026-05-21.

Conditions:
TTN-related disorder. Also called: TTN-related disorders; TTN-related condition; TTN-related disease.

Allele frequency attached by ClinVar (database versions not stated): TOPMed 0.00005.
gnomAD v4.1: 19 of 1,613,082 alleles (0.0012%); highest among the groups gnomAD compares: Middle Eastern, 0.017%; no homozygotes.

Submissions (7):

GeneDx
Classification: Uncertain significance. Last evaluated: 2026-05-21. Review status: criteria provided, single submitter. Criteria: GeneDx Variant Classification Process June 2021. Collection method: clinical testing. Allele origin: germline.
Comment: Not observed at significant frequency in large population cohorts (gnomAD); Missense variant in a gene in which most reported pathogenic variants are truncating/loss of function; Has not been previously published as pathogenic or benign to our knowledge

PreventionGenetics, part of Exact Sciences
Classification: Uncertain significance for TTN-related condition. Last evaluated: 2026-03-16. Review status: criteria provided, single submitter. Criteria: ACMG Guidelines, 2015. Collection method: clinical testing. Allele origin: germline.
Comment: The TTN c.39290C>G variant is predicted to result in the amino acid substitution p.Pro13097Arg. To our knowledge, this variant has not been reported in the literature. This variant is reported in 0.0056% of alleles in individuals of East Asian descent in gnomAD. At this time, the clinical significance of this variant is uncertain due to the absence of conclusive functional and genetic evidence.

CeGaT Center for Human Genetics Tuebingen
Classification: Uncertain significance. Last evaluated: 2025-11-01. Review status: criteria provided, single submitter. Criteria: CeGaT Center For Human Genetics Tuebingen Variant Classification Criteria Version 2. Collection method: clinical testing. Allele origin: germline. Affected: yes. Observed: 1 variant allele.
Comment: TTN: PM2, BP4

Revvity Omics, Revvity
Classification: Uncertain significance. Last evaluated: 2023-05-08. Review status: criteria provided, single submitter. Criteria: ACMG Guidelines, 2015. Collection method: clinical testing. Allele origin: germline.

Athena Diagnostics
Classification: Uncertain significance. Last evaluated: 2021-10-08. Review status: criteria provided, single submitter. Criteria: Athena Diagnostics Criteria. Collection method: clinical testing. Allele origin: unknown.

Clinical Genetics DNA and cytogenetics Diagnostics Lab, Erasmus MC, Erasmus Medical Center
Classification: Uncertain significance. Review status: no assertion criteria provided. Collection method: clinical testing. Allele origin: germline. Affected: yes. Study: VKGL Data-share Consensus. Not counted in ClinVar's aggregate classification.

Clinical Genetics, Academic Medical Center
Classification: Uncertain significance. Review status: no assertion criteria provided. Collection method: clinical testing. Allele origin: germline. Affected: yes. Study: VKGL Data-share Consensus. Not counted in ClinVar's aggregate classification.